The following is an entry in ClinVar:

ClinVar aggregate classification (germline): Uncertain significance (1 of 4 stars; one submission).

Conditions:
Dyskeratosis congenita. Identifiers: Orphanet 1775, MedGen C0265965, MONDO:0015780.

Submission:

Ambry Genetics
Classification: Uncertain significance for Dyskeratosis congenita. Last evaluated: 2022-04-19. Review status: criteria provided, single submitter. Criteria: Ambry Variant Classification Scheme 2023. Collection method: clinical testing. Allele origin: germline.
Comment: The p.G463C variant (also known as c.1387G>T), located in coding exon 2 of the TERT gene, results from a G to T substitution at nucleotide position 1387. The glycine at codon 463 is replaced by cysteine, an amino acid with highly dissimilar properties. This amino acid position is conserved. In addition, this alteration is predicted to be tolerated by in silico analysis. Since supporting evidence is limited at this time, the clinical significance of this alteration remains unclear.

NM_198253.3(TERT):c.1387G>T (p.Gly463Cys)

Gene: TERT (telomerase reverse transcriptase; minus strand). Cytogenetic location: 5p15.33.
Variant type: single nucleotide variant.
Coding change: c.1387G>T on transcript NM_198253.3 (MANE Select); coding-DNA position 1387, G replaced by T.
Protein change: p.Gly463Cys; replaces glycine 463 with cysteine.
Molecular consequence: missense variant. On other transcripts: non-coding transcript variant (2).
Genome position (GRCh38, 1-based): chr5:1,293,499, C>A on the plus strand (G>T on the coding strand, the complement: TERT is on the minus strand). VCF-style: chr5-1293499-C-A. GRCh37 (hg19) VCF-style: chr5-1293614-C-A.
Other names: c.1387G>T, p.Gly463Cys (NM_001193376.3, NM_003219.1); short protein forms G463C.
Identifiers: ClinVar variation 1771444 (VCV001771444.2), dbSNP rs1751127777, ClinGen allele CA359085855.